The following is an entry in ClinVar:

NM_032608.7(MYO18B):c.2147G>A (p.Arg716Gln)

Gene: MYO18B (myosin XVIIIB; plus strand). Cytogenetic location: 22q12.1.
Variant type: single nucleotide variant.
Coding change: c.2147G>A on transcript NM_032608.7 (MANE Select); coding-DNA position 2147, G replaced by A.
Protein change: p.Arg716Gln; replaces arginine 716 with glutamine.
Molecular consequence: missense variant.
Genome position (GRCh38, 1-based): chr22:25,780,134, G>A. VCF-style: chr22-25780134-G-A. GRCh37 (hg19) VCF-style: chr22-26176101-G-A.
Other names: c.2147G>A (NM_032608.6); c.2147G>A, p.Arg716Gln (NM_001318245.2); short protein forms R716Q.
Identifiers: ClinVar variation 1377748 (VCV001377748.18), dbSNP rs201070289, ClinGen allele CA10160067.

ClinVar aggregate classification (germline): Conflicting classifications of pathogenicity. Review status: criteria provided, conflicting classifications (1 of 4 stars). 6 submissions from 6 submitters: Uncertain significance (4); Likely benign (2). Last evaluated 2026-09-03.

Conditions:
MYO18B-related disorder. Also called: MYO18B-related condition.
Klippel-Feil anomaly-myopathy-facial dysmorphism syndrome. Also called: Klippel-Feil syndrome 4, autosomal recessive, with myopathy and facial dysmorphism; Klippel-feil syndrome 4, autosomal recessive, with nemaline myopathy and facial dysmorphism. Identifiers: Orphanet 447974, MedGen C4225285, MONDO:0014689, OMIM 616549.

Allele frequency attached by ClinVar (database versions not stated): gnomAD 0.00027 and 0.00029; gnomAD exomes 0.00027 and 0.00046; ESP Exome Variant Server 0.00031; TOPMed 0.00045; ExAC 0.00046; 1000 Genomes Project 0.00060; 1000 Genomes Project 30x 0.00062.
gnomAD v4.1: 466 of 1,605,280 alleles (0.029%); highest among the groups gnomAD compares: Middle Eastern, 0.28%; no homozygotes.

Submissions (6):

PreventionGenetics, part of Exact Sciences
Classification: Uncertain significance for MYO18B-related condition. Last evaluated: 2026-09-03. Review status: criteria provided, single submitter. Criteria: ACMG Guidelines, 2015. Collection method: clinical testing. Allele origin: germline.
Comment: The MYO18B c.2147G>A variant is predicted to result in the amino acid substitution p.Arg716Gln. To our knowledge, this variant has not been reported in the literature. This variant is reported in 0.15% of alleles in individuals of Ashkenazi Jewish descent in gnomAD. Although we suspect that this variant may be benign, at this time, the clinical significance of this variant is uncertain due to the absence of conclusive functional and genetic evidence.

Labcorp Genetics (formerly Invitae), Labcorp
Classification: Uncertain significance. Last evaluated: 2026-01-31. Review status: criteria provided, single submitter. Criteria: Invitae Variant Classification Sherloc (09022015). Collection method: clinical testing. Allele origin: germline.
Comment: This sequence change replaces arginine, which is basic and polar, with glutamine, which is neutral and polar, at codon 716 of the MYO18B protein (p.Arg716Gln). This variant is present in population databases (rs201070289, gnomAD 0.1%), and has an allele count higher than expected for a pathogenic variant. This variant has not been reported in the literature in individuals affected with MYO18B-related conditions. ClinVar contains an entry for this variant (Variation ID: 1377748). An algorithm developed to predict the effect of missense changes on protein structure and function (PolyPhen-2) suggests that this variant is likely to be disruptive. In summary, the available evidence is currently insufficient to determine the role of this variant in disease. Therefore, it has been classified as a Variant of Uncertain Significance.

CeGaT Center for Human Genetics Tuebingen
Classification: Uncertain significance. Last evaluated: 2025-03-01. Review status: criteria provided, single submitter. Criteria: CeGaT Center For Human Genetics Tuebingen Variant Classification Criteria Version 2. Collection method: clinical testing. Allele origin: germline. Affected: yes. Observed: 1 variant allele.

Blueprint Genetics
Classification: Likely benign. Last evaluated: 2024-10-07. Review status: criteria provided, single submitter. Criteria: ACMG Guidelines, 2015. Collection method: clinical testing. Allele origin: germline.

Revvity Omics, Revvity
Classification: Likely benign for Klippel-Feil anomaly-myopathy-facial dysmorphism syndrome. Last evaluated: 2024-01-16. Review status: criteria provided, single submitter. Criteria: ACMG Guidelines, 2015. Collection method: clinical testing. Allele origin: germline.

Breakthrough Genomics
Classification: Uncertain significance. Review status: criteria provided, single submitter. Criteria: ACMG Guidelines, 2015. Collection method: not provided. Allele origin: germline. Inheritance: Autosomal dominant inheritance. Affected: yes.